The following is an entry in ClinVar:

ClinVar aggregate classification (germline): Uncertain significance (1 of 4 stars; one submission).

Allele frequency attached by ClinVar (database versions not stated): gnomAD 0.00002.
gnomAD v4.1: 3 of 1,609,296 alleles (0.00019%); highest among the groups gnomAD compares: Non-Finnish European, 0.00025%; no homozygotes.

Submission:

Labcorp Genetics (formerly Invitae), Labcorp
Classification: Uncertain significance. Last evaluated: 2022-03-21. Review status: criteria provided, single submitter. Criteria: Invitae Variant Classification Sherloc (09022015). Collection method: clinical testing. Allele origin: germline.
Comment: This sequence change replaces phenylalanine, which is neutral and non-polar, with leucine, which is neutral and non-polar, at codon 206 of the PNPLA8 protein (p.Phe206Leu). This variant is present in population databases (no rsID available, gnomAD 0.007%). This variant has not been reported in the literature in individuals affected with PNPLA8-related conditions. Algorithms developed to predict the effect of missense changes on protein structure and function output the following: SIFT: "Tolerated"; PolyPhen-2: "Benign"; Align-GVGD: "Class C0". The leucine amino acid residue is found in multiple mammalian species, which suggests that this missense change does not adversely affect protein function. In summary, the available evidence is currently insufficient to determine the role of this variant in disease. Therefore, it has been classified as a Variant of Uncertain Significance.

NM_001256007.3(PNPLA8):c.618T>A (p.Phe206Leu)

Gene: PNPLA8 (patatin like domain 8, phospholipase A2; minus strand). Cytogenetic location: 7q31.1.
Variant type: single nucleotide variant.
Coding change: c.618T>A on transcript NM_001256007.3 (MANE Select); coding-DNA position 618, T replaced by A.
Protein change: p.Phe206Leu; replaces phenylalanine 206 with leucine.
Molecular consequence: missense variant.
Genome position (GRCh38, 1-based): chr7:108,514,874, A>T on the plus strand (T>A on the coding strand, the complement: PNPLA8 is on the minus strand). VCF-style: chr7-108514874-A-T. GRCh37 (hg19) VCF-style: chr7-108155318-A-T.
Other names: c.618T>A, p.Phe206Leu (NM_001256008.3, NM_001256009.3, NM_015723.5); c.318T>A, p.Phe106Leu (NM_001256010.3, NM_001256011.3); short protein forms F106L, F206L.
Identifiers: ClinVar variation 2115621 (VCV002115621.4), dbSNP rs1440268517, ClinGen allele CA368898435.